The following is an entry in ClinVar:

ClinVar aggregate classification (germline): Pathogenic (1 of 4 stars; one submission).

Conditions:
Ataxia-telangiectasia syndrome (AT). Also called: Ataxia-telangiectasia, complementation group D; AT, COMPLEMENTATION GROUP C; ATAXIA-TELANGIECTASIA, COMPLEMENTATION GROUP A; ATAXIA-TELANGIECTASIA, FRESNO VARIANT; Ataxia-telangiectasia; Ataxia-telangiectasia, complementation group E. Identifiers: Orphanet 100, MedGen C0004135, MONDO:0008840, OMIM 208900.

Submission:

Labcorp Genetics (formerly Invitae), Labcorp
Classification: Pathogenic for Ataxia-telangiectasia syndrome. Last evaluated: 2024-02-19. Review status: criteria provided, single submitter. Criteria: Invitae Variant Classification Sherloc (09022015). Collection method: clinical testing. Allele origin: germline.
Comment: This sequence change creates a premature translational stop signal (p.Leu2251Serfs*6) in the ATM gene. It is expected to result in an absent or disrupted protein product. Loss-of-function variants in ATM are known to be pathogenic (PMID: 23807571, 25614872). This variant is present in population databases (no rsID available, gnomAD 0.003%). This variant has not been reported in the literature in individuals affected with ATM-related conditions. For these reasons, this variant has been classified as Pathogenic.

Literature cited by the submitters: PubMed 23807571; PubMed 25614872.

NM_000051.4(ATM):c.6750del (p.Leu2251fs)

Genes: ATM (ATM serine/threonine kinase; plus strand), C11orf65 (chromosome 11 open reading frame 65; minus strand). Cytogenetic location: 11q22.3.
Variant type: Deletion.
Coding change: c.6750del on transcript NM_000051.4 (MANE Select); coding-DNA position 6750, one base deleted (T; older notation c.6750delT).
Protein change: p.Leu2251fs; shifts the reading frame from leucine 2251.
Molecular consequence: frameshift variant. On other transcripts: intron variant (2).
Genome position (GRCh38, 1-based): chr11:108,325,487, T deleted; the last of 2 consecutive T bases (chr11:108,325,486-108,325,487); deleting either gives the same sequence. VCF-style (leftmost placement, unchanged base first): chr11-108325485-AT-A. GRCh37 (hg19) VCF-style: chr11-108196212-AT-A.
Other names: c.6750del, p.Leu2251fs (NM_001351834.2); c.641-16415del (NM_001330368.2); c.*38+9734del (NM_001351110.2); short protein forms L2251fs.
Identifiers: ClinVar variation 3642108 (VCV003642108.2).